The following is an entry in ClinVar:

NM_133468.5(BMPER):c.-141+4A>G

Gene: BMPER (BMP binding endothelial regulator; plus strand). Cytogenetic location: 7p14.3.
Variant type: single nucleotide variant.
Coding change: c.-141+4A>G on transcript NM_133468.5; 4 bases into the intron after 141 bases upstream of the start codon, A replaced by G.
Molecular consequence: intron variant.
Genome position (GRCh38, 1-based): chr7:33,905,148, A>G. VCF-style: chr7-33905148-A-G. GRCh37 (hg19) VCF-style: chr7-33944760-A-G.
Other names: NC_000007.13:g.33944760A>G.
Identifiers: ClinVar variation 360092 (VCV000360092.8), dbSNP rs113711026, ClinGen allele CA10626035.

ClinVar aggregate classification (germline): Benign (1 of 4 stars; one submission).

Conditions:
Diaphanospondylodysostosis. Also called: VERTEBRAL OSSIFICATION, DEFECT IN, WITH NEPHROGENIC RESTS. Identifiers: Orphanet 66637, MedGen C1842691, MONDO:0011946, OMIM 608022.

Allele frequency attached by ClinVar (database versions not stated): TOPMed 0.03300; gnomAD exomes 0.00910; gnomAD 0.02814 and 0.02781; 1000 Genomes Project 0.04453; 1000 Genomes Project 30x 0.04497.
gnomAD v4.1: 4,611 of 194,592 alleles (2.4%); highest among the groups gnomAD compares: African/African-American, 7%; 142 homozygotes.

Submissions (4):

Illumina Laboratory Services, Illumina
Classification: Benign for Diaphanospondylodysostosis. Last evaluated: 2018-01-13. Review status: criteria provided, single submitter. Criteria: ICSL Variant Classification Criteria 13 December 2019. Collection method: clinical testing. Allele origin: germline.
Comment: This variant was observed in the ICSL laboratory as part of a predisposition screen in an ostensibly healthy population. It had not been previously curated by ICSL or reported in the Human Gene Mutation Database (HGMD: prior to June 1st, 2018), and was therefore a candidate for classification through an automated scoring system. Utilizing variant allele frequency, disease prevalence and penetrance estimates, and inheritance mode, an automated score was calculated to assess if this variant is too frequent to cause the disease. Based on the score and internal cut-off values, a variant classified as benign is not then subjected to further curation. The score for this variant resulted in a classification of benign for this disease.

Dr. Peter K. Rogan Lab, Western University
No classification provided (evidence only). Condition: Ovarian serous cystadenocarcinoma. Review status: no classification provided. Collection method: in vitro. Allele origin: not applicable. Functional consequence: retained intron. Not counted in ClinVar's aggregate classification.

Dr. Peter K. Rogan Lab, Western University
No classification provided (evidence only). Condition: Ovarian serous cystadenocarcinoma. Review status: no classification provided. Collection method: in vitro. Allele origin: not applicable. Functional consequence: retained intron. Not counted in ClinVar's aggregate classification.

Dr. Peter K. Rogan Lab, Western University
No classification provided (evidence only). Condition: Ovarian cancer. Review status: no classification provided. Collection method: in vitro. Allele origin: not applicable. Functional consequence: retained intron. Not counted in ClinVar's aggregate classification.